The following is an entry in ClinVar:

NM_173660.5(DOK7):c.846C>T (p.Thr282=)

Gene: DOK7 (docking protein 7; plus strand). Cytogenetic location: 4p16.3.
Variant type: single nucleotide variant.
Coding change: c.846C>T on transcript NM_173660.5 (MANE Select); coding-DNA position 846, C replaced by T.
Protein change: p.Thr282=; no amino-acid change (threonine 282 retained).
Molecular consequence: synonymous variant. On other transcripts: 3 prime UTR variant (1), 5 prime UTR variant (1).
Genome position (GRCh38, 1-based): chr4:3,492,832, C>T. VCF-style: chr4-3492832-C-T. GRCh37 (hg19) VCF-style: chr4-3494559-C-T.
Other names: c.*67C>T (NM_001164673.2); c.-85C>T (NM_001256896.2); c.846C>T, p.Thr282= (NM_001301071.2); c.414C>T, p.Thr138= (NM_001363811.2).
Identifiers: ClinVar variation 705870 (VCV000705870.22), dbSNP rs141147662, ClinGen allele CA2829249.

ClinVar aggregate classification (germline): Likely benign. Review status: criteria provided, multiple submitters, no conflicts (2 of 4 stars). 5 submissions from 5 submitters: Likely benign (5). Last evaluated 2026-02-01.

Conditions:
Fetal akinesia deformation sequence 1 (FADS1). Also called: Fetal akinesia sequence; Pena-Shokeir syndrome type I. Identifiers: Orphanet 994, MedGen C1276035, MONDO:0100101, OMIM 208150, HP:0001989.
Congenital myasthenic syndrome 10. Also called: Myasthenia, limb-girdle, familial. Identifiers: Orphanet 590, MedGen C1850792, MONDO:0009690, OMIM 254300.

Allele frequency attached by ClinVar (database versions not stated): ESP Exome Variant Server 0.00023; gnomAD exomes 0.00023 and 0.00014; TOPMed 0.00023; 1000 Genomes Project 30x 0.00031; 1000 Genomes Project 0.00040; ExAC 0.00012; gnomAD 0.00022.

Submissions (5):

Labcorp Genetics (formerly Invitae), Labcorp
Classification: Likely benign for Congenital myasthenic syndrome 10; Fetal akinesia deformation sequence 1. Last evaluated: 2026-02-01. Review status: criteria provided, single submitter. Criteria: Invitae Variant Classification Sherloc (09022015). Collection method: clinical testing. Allele origin: germline.

CeGaT Center for Human Genetics Tuebingen
Classification: Likely benign. Last evaluated: 2025-03-01. Review status: criteria provided, single submitter. Criteria: CeGaT Center For Human Genetics Tuebingen Variant Classification Criteria Version 2. Collection method: clinical testing. Allele origin: germline. Affected: yes. Observed: 1 variant allele.
Comment: DOK7: BP4, BP7

Blueprint Genetics
Classification: Likely benign. Last evaluated: 2024-06-10. Review status: criteria provided, single submitter. Criteria: ACMG Guidelines, 2015. Collection method: clinical testing. Allele origin: germline.

GeneDx
Classification: Likely benign. Last evaluated: 2021-06-09. Review status: criteria provided, single submitter. Criteria: GeneDx Variant Classification Process June 2021. Collection method: clinical testing. Allele origin: germline. Affected: yes.

Breakthrough Genomics
Classification: Likely benign. Review status: criteria provided, single submitter. Criteria: ACMG Guidelines, 2015. Collection method: not provided. Allele origin: germline. Inheritance: Autosomal recessive inheritance. Affected: yes.